The following is an entry in ClinVar:

ClinVar aggregate classification (germline): Uncertain significance. Review status: criteria provided, multiple submitters, no conflicts (2 of 4 stars). 2 submissions from 2 submitters: Uncertain significance (2). Last evaluated 2023-03-29.

Conditions:
Epileptic encephalopathy. Identifiers: MedGen C0543888, HP:0200134.

Allele frequency attached by ClinVar (database versions not stated): gnomAD exomes 0.00001 and 0.00002; ExAC 0.00003; 1000 Genomes Project 30x 0.00031; 1000 Genomes Project 0.00040; gnomAD 0.00001.
gnomAD v4.1: 12 of 1,612,782 alleles (0.00074%); highest among the groups gnomAD compares: South Asian, 0.012%; no homozygotes.

Submissions (2):

Ambry Genetics
Classification: Uncertain significance. Last evaluated: 2023-03-29. Review status: criteria provided, single submitter. Criteria: Ambry Variant Classification Scheme 2023. Collection method: clinical testing. Allele origin: germline.

Labcorp Genetics (formerly Invitae), Labcorp
Classification: Uncertain significance for Epileptic encephalopathy. Last evaluated: 2022-10-17. Review status: criteria provided, single submitter. Criteria: Invitae Variant Classification Sherloc (09022015). Collection method: clinical testing. Allele origin: germline.
Comment: In summary, the available evidence is currently insufficient to determine the role of this variant in disease. Therefore, it has been classified as a Variant of Uncertain Significance. Algorithms developed to predict the effect of missense changes on protein structure and function (SIFT, PolyPhen-2, Align-GVGD) all suggest that this variant is likely to be tolerated. ClinVar contains an entry for this variant (Variation ID: 1496996). This variant has not been reported in the literature in individuals affected with FASN-related conditions. This variant is present in population databases (rs532083673, gnomAD 0.02%). This sequence change replaces glutamine, which is neutral and polar, with histidine, which is basic and polar, at codon 2101 of the FASN protein (p.Gln2101His).

NM_004104.5(FASN):c.6303G>C (p.Gln2101His)

Gene: FASN (fatty acid synthase; minus strand). Cytogenetic location: 17q25.3.
Variant type: single nucleotide variant.
Coding change: c.6303G>C on transcript NM_004104.5 (MANE Select); coding-DNA position 6303, G replaced by C.
Protein change: p.Gln2101His; replaces glutamine 2101 with histidine.
Molecular consequence: missense variant.
Genome position (GRCh38, 1-based): chr17:82,081,704, C>G on the plus strand (G>C on the coding strand, the complement: FASN is on the minus strand). VCF-style: chr17-82081704-C-G. GRCh37 (hg19) VCF-style: chr17-80039580-C-G.
Other names: c.6303G>C (NM_004104.4); short protein forms Q2101H.
Identifiers: ClinVar variation 1496996 (VCV001496996.8), dbSNP rs532083673, ClinGen allele CA8851344.
Genomic context (GRCh38, chr17:82,081,704, plus strand): 5'-CCTGTCCCTATAGGCCGCAGCCTTCTCAGCCAGCACAAAGCTGCTCAGGACCATGTGGGG[C>G]TGGTTCAGGAAGAGGTCCAGCACCTCCAGGCAGGACGCCATGCGCTGGGGCAGCGTGCCA-3'
Protein context (NP_004095.4, residues 2091-2111): CLEVLDLFLN[Gln2101His]PHMVLSSFVL